The following is an entry in ClinVar:

ClinVar aggregate classification (germline): Uncertain significance. Review status: criteria provided, multiple submitters, no conflicts (2 of 4 stars). 3 submissions from 3 submitters: Uncertain significance (3). Last evaluated 2024-05-29.

Conditions:
Hereditary breast ovarian cancer syndrome. Also called: Hereditary breast and ovarian cancer syndrome (HBOC); Hereditary breast and ovarian cancer; BRCA1- and BRCA2-Associated Hereditary Breast and Ovarian Cancer; Breast and ovarian cancer; Hereditary breast and ovarian cancer syndrome; Hereditary breast and/or ovarian cancer syndrome. Identifiers: Orphanet 145, MedGen C0677776, MeSH D061325, MONDO:0003582. Disease mechanism: loss of function.
Hereditary cancer-predisposing syndrome. Also called: Hereditary neoplastic syndrome; Tumor predisposition; Hereditary Cancer Syndrome; Neoplastic Syndromes, Hereditary. Identifiers: Orphanet 140162, MedGen C0027672, MeSH D009386, MONDO:0015356.

Allele frequency attached by ClinVar (database versions not stated): gnomAD exomes below 0.00001.
gnomAD v4.1: 1 of 1,613,210 alleles (0.000062%); highest among the groups gnomAD compares: Non-Finnish European, 0.000085%; no homozygotes.

Submissions (4):

Labcorp Genetics (formerly Invitae), Labcorp
Classification: Uncertain significance for Hereditary breast ovarian cancer syndrome. Last evaluated: 2024-05-29. Review status: criteria provided, single submitter. Criteria: Invitae Variant Classification Sherloc (09022015). Collection method: clinical testing. Allele origin: germline.
Comment: This sequence change replaces glutamine, which is neutral and polar, with lysine, which is basic and polar, at codon 74 of the BRCA1 protein (p.Gln74Lys). This variant is not present in population databases (gnomAD no frequency). This variant has not been reported in the literature in individuals affected with BRCA1-related conditions. ClinVar contains an entry for this variant (Variation ID: 629710). Advanced modeling of protein sequence and biophysical properties (such as structural, functional, and spatial information, amino acid conservation, physicochemical variation, residue mobility, and thermodynamic stability) performed at Invitae indicates that this missense variant is not expected to disrupt BRCA1 protein function with a negative predictive value of 95%. Experimental studies are conflicting or provide insufficient evidence to determine the effect of this variant on BRCA1 function (PMID: 30209399). Algorithms developed to predict the effect of sequence changes on RNA splicing suggest that this variant may disrupt the consensus splice site. In summary, the available evidence is currently insufficient to determine the role of this variant in disease. Therefore, it has been classified as a Variant of Uncertain Significance.

Ambry Genetics
Classification: Uncertain significance for Hereditary cancer-predisposing syndrome. Last evaluated: 2022-03-21. Review status: criteria provided, single submitter. Criteria: Ambry Variant Classification Scheme 2023. Collection method: clinical testing. Allele origin: germline.
Comment: The p.Q74K variant (also known as c.220C>A), located in coding exon 4 of the BRCA1 gene, results from a C to A substitution at nucleotide position 220. The glutamine at codon 74 is replaced by lysine, an amino acid with similar properties. One functional study found that this nucleotide substitution had intermediate function in a high-throughput, genome editing, haploid cell survival assay (Findlay GM et al. Nature, 2018 10;562:217-222). This amino acid position is well conserved in available vertebrate species. In addition, the in silico prediction for this alteration is inconclusive. Since supporting evidence is limited at this time, the clinical significance of this alteration remains unclear.

Color Diagnostics, LLC DBA Color Health
Classification: Uncertain significance for Hereditary cancer-predisposing syndrome. Last evaluated: 2019-04-23. Review status: criteria provided, single submitter. Criteria: ACMG Guidelines, 2015. Collection method: clinical testing. Allele origin: germline.

Brotman Baty Institute, University of Washington
No classification provided (evidence only). Condition: Breast-ovarian cancer, familial 1. Review status: no classification provided. Collection method: in vitro. Allele origin: not applicable. Functional consequence: function_uncertain_variant. Not counted in ClinVar's aggregate classification.
ClinVar note: "not provided" was previously submitted as the classification for the variant. However, the classification appeared to be based only on an observation of functional data so it was converted to no classification on 2025-07-30.

Literature cited by the submitters: PubMed 30209399 (cited by Labcorp Genetics (formerly Invitae), Labcorp and Ambry Genetics).

NM_007294.4(BRCA1):c.220C>A (p.Gln74Lys)

Gene: BRCA1 (BRCA1 DNA repair associated; minus strand). Cytogenetic location: 17q21.31.
Variant type: single nucleotide variant.
Coding change: c.220C>A on transcript NM_007294.4 (MANE Select); coding-DNA position 220, C replaced by A.
Protein change: p.Gln74Lys; replaces glutamine 74 with lysine.
Molecular consequence: missense variant. On other transcripts: non-coding transcript variant (1).
Genome position (GRCh38, 1-based): chr17:43,104,949, G>T on the plus strand (C>A on the coding strand, the complement: BRCA1 is on the minus strand). VCF-style: chr17-43104949-G-T. GRCh37 (hg19) VCF-style: chr17-41256966-G-T.
Other names: c.10C>A, p.Gln4Lys (NM_001407571.1, NM_001407853.1, NM_001407879.1 and 58 more transcripts); c.220C>A, p.Gln74Lys (NM_001407581.1, NM_001407582.1, NM_001407583.1 and 168 more transcripts); c.142C>A, p.Gln48Lys (NM_001407653.1, NM_001407654.1, NM_001407655.1 and 21 more transcripts); c.79C>A, p.Gln27Lys (NM_001407692.1, NM_001407694.1, NM_001407695.1 and 99 more transcripts); c.-162C>A (NM_001407959.1, NM_001407960.1, NM_001407962.1 and 4 more transcripts); c.88C>A, p.Gln30Lys (NM_001408451.1); short protein forms Q74K, Q27K, Q30K, Q48K, Q4K.
Identifiers: ClinVar variation 629710 (VCV000629710.18), dbSNP rs80357234, ClinGen allele CA10601724.
Genomic context (GRCh38, chr17:43,104,949, plus strand): 5'-GAAAAGCACAAATGATTTTCAATAGCTCTTCAACAAGTTGACTAAATCTCGTACTTTCTT[G>T]TAGGCTCCTGAAATTAAATTGTTTGAGAAACACACTCAGCAAGTGATTATCAACCTTTTA-3'
Protein context (NP_009225.1, residues 64-84): CKNDITKRSL[Gln74Lys]ESTRFSQLVE